The following is an entry in ClinVar:

NM_000548.5(TSC2):c.4811del (p.Gly1604fs)

Gene: TSC2 (TSC complex subunit 2; plus strand). Cytogenetic location: 16p13.3.
Variant type: Deletion.
Coding change: c.4811del on transcript NM_000548.5 (MANE Select); coding-DNA position 4811, one base deleted (G; older notation c.4811delG).
Protein change: p.Gly1604fs; shifts the reading frame from glycine 1604.
Molecular consequence: frameshift variant.
Genome position (GRCh38, 1-based): chr16:2,086,341, G deleted; the last of 2 consecutive G bases (chr16:2,086,340-2,086,341); deleting either gives the same sequence. VCF-style (leftmost placement, unchanged base first): chr16-2086339-CG-C. GRCh37 (hg19) VCF-style: chr16-2136340-CG-C.
Other names: c.4610del, p.Gly1537fs (NM_001077183.3); c.4742del, p.Gly1581fs (NM_001114382.3); c.4502del, p.Gly1501fs (NM_001318827.2); c.4466del, p.Gly1489fs (NM_001318829.2); c.4079del, p.Gly1360fs (NM_001318831.2); c.4643del, p.Gly1548fs (NM_001318832.2); c.4613del, p.Gly1538fs (NM_001363528.2); c.4679del, p.Gly1560fs (NM_001370404.1); and 1 more; short protein forms G1360fs, G1489fs, G1537fs, G1538fs, G1561fs, G1501fs, G1548fs, G1581fs.
Identifiers: ClinVar variation 971389 (VCV000971389.7), dbSNP rs2090785469, ClinGen allele CA1139664241.

ClinVar aggregate classification (germline): Pathogenic (1 of 4 stars; one submission).

Conditions:
Tuberous sclerosis 2 (TSC2). Identifiers: Orphanet 805, MedGen C1860707, MONDO:0013199, OMIM 613254.

Submission:

Labcorp Genetics (formerly Invitae), Labcorp
Classification: Pathogenic for Tuberous sclerosis 2. Last evaluated: 2019-10-21. Review status: criteria provided, single submitter. Criteria: Invitae Variant Classification Sherloc (09022015). Collection method: clinical testing. Allele origin: germline.
Comment: This variant has not been reported in the literature in individuals with TSC2-related conditions. Loss-of-function variants in TSC2 are known to be pathogenic (PMID: 10205261, 17304050). For these reasons, this variant has been classified as Pathogenic. This variant is not present in population databases (ExAC no frequency). This sequence change creates a premature translational stop signal (p.Gly1604Alafs*21) in the TSC2 gene. It is expected to result in an absent or disrupted protein product.

Literature cited by the submitters: PubMed 10205261; PubMed 17304050.